The following is an entry in ClinVar:

NM_020877.5(DNAH2):c.3072G>A (p.Leu1024=)

Gene: DNAH2 (dynein axonemal heavy chain 2; plus strand). Cytogenetic location: 17p13.1.
Variant type: single nucleotide variant.
Coding change: c.3072G>A on transcript NM_020877.5 (MANE Select); coding-DNA position 3072, G replaced by A.
Protein change: p.Leu1024=; no amino-acid change (leucine 1024 retained).
Molecular consequence: synonymous variant.
Genome position (GRCh38, 1-based): chr17:7,763,924, G>A. VCF-style: chr17-7763924-G-A. GRCh37 (hg19) VCF-style: chr17-7667242-G-A.
Identifiers: ClinVar variation 3389743 (VCV003389743.14).

ClinVar aggregate classification (germline): Likely benign (1 of 4 stars; one submission).

Submission:

CeGaT Center for Human Genetics Tuebingen
Classification: Likely benign. Last evaluated: 2024-09-01. Review status: criteria provided, single submitter. Criteria: CeGaT Center For Human Genetics Tuebingen Variant Classification Criteria Version 2. Collection method: clinical testing. Allele origin: germline. Affected: yes. Observed: 1 variant allele.
Comment: DNAH2: PM2:Supporting, BP4, BP7